The following is an entry in ClinVar:

ClinVar aggregate classification (germline): Uncertain significance (1 of 4 stars; one submission).

Allele frequency attached by ClinVar (database versions not stated): gnomAD exomes below 0.00001; TOPMed 0.00001.

Submission:

Labcorp Genetics (formerly Invitae), Labcorp
Classification: Uncertain significance. Last evaluated: 2022-07-30. Review status: criteria provided, single submitter. Criteria: Invitae Variant Classification Sherloc (09022015). Collection method: clinical testing. Allele origin: germline.
Comment: In summary, the available evidence is currently insufficient to determine the role of this variant in disease. Therefore, it has been classified as a Variant of Uncertain Significance. Algorithms developed to predict the effect of missense changes on protein structure and function output the following: SIFT: "Tolerated"; PolyPhen-2: "Benign"; Align-GVGD: "Class C0". The threonine amino acid residue is found in multiple mammalian species, which suggests that this missense change does not adversely affect protein function. This variant has not been reported in the literature in individuals affected with TNFRSF11B-related conditions. This variant is not present in population databases (gnomAD no frequency). This sequence change replaces isoleucine, which is neutral and non-polar, with threonine, which is neutral and polar, at codon 266 of the TNFRSF11B protein (p.Ile266Thr).

NM_002546.4(TNFRSF11B):c.797T>C (p.Ile266Thr)

Gene: TNFRSF11B (TNF receptor superfamily member 11b; minus strand). Cytogenetic location: 8q24.12.
Variant type: single nucleotide variant.
Coding change: c.797T>C on transcript NM_002546.4 (MANE Select); coding-DNA position 797, T replaced by C.
Protein change: p.Ile266Thr; replaces isoleucine 266 with threonine.
Molecular consequence: missense variant.
Genome position (GRCh38, 1-based): chr8:118,926,514, A>G on the plus strand (T>C on the coding strand, the complement: TNFRSF11B is on the minus strand). VCF-style: chr8-118926514-A-G. GRCh37 (hg19) VCF-style: chr8-119938753-A-G.
Other names: short protein forms I266T.
Identifiers: ClinVar variation 1936769 (VCV001936769.5), dbSNP rs1378962530, ClinGen allele CA371919143.